The following is an entry in ClinVar:

ClinVar aggregate classification (germline): Benign (1 of 4 stars; one submission).

Allele frequency attached by ClinVar (database versions not stated): 1000 Genomes Project 0.89317; 1000 Genomes Project 30x 0.89616; TOPMed 0.91436.
gnomAD v4.1: 136,334 of 150,724 alleles (90%); highest among the groups gnomAD compares: African/African-American, 97%; 61,857 homozygotes.

Submission:

GeneDx
Classification: Benign. Last evaluated: 2018-06-14. Review status: criteria provided, single submitter. Criteria: GeneDx Variant Classification (06012015). Collection method: clinical testing. Allele origin: germline. Affected: yes.
Comment: This variant is considered likely benign or benign based on one or more of the following criteria: it is a conservative change, it occurs at a poorly conserved position in the protein, it is predicted to be benign by multiple in silico algorithms, and/or has population frequency not consistent with disease.

NM_006939.4(SOS2):c.1196+252G>A

Gene: SOS2 (SOS Ras/Rho guanine nucleotide exchange factor 2; minus strand). Cytogenetic location: 14q21.3.
Variant type: single nucleotide variant.
Coding change: c.1196+252G>A on transcript NM_006939.4 (MANE Select); 252 bases into the intron after coding-DNA position 1196, G replaced by A.
Molecular consequence: intron variant.
Genome position (GRCh38, 1-based): chr14:50,161,230, C>T on the plus strand (G>A on the coding strand, the complement: SOS2 is on the minus strand). VCF-style: chr14-50161230-C-T. GRCh37 (hg19) VCF-style: chr14-50627948-C-T.
Identifiers: ClinVar variation 561836 (VCV000561836.1), dbSNP rs7154198, ClinGen allele CA14056802.
Genomic context (GRCh38, chr14:50,161,230, plus strand): 5'-GTAGTTCCAGTTACTTGGGAGGCGAAGGCAGGAGAATCATTGGAACGCAGGAGGCTAAGG[C>T]TGCAGGTTGCAGTGAGCTGAGATTACACCACTGCACTCCAGCCTGGGCAAGAGAGACTCC-3'